The following is an entry in ClinVar:

ClinVar aggregate classification (germline): Pathogenic (1 of 4 stars; one submission).

Conditions:
Bloom syndrome (BLM). Also called: Bloom-Torre-Machacek syndrome. Identifiers: Orphanet 125, MedGen C0005859, MONDO:0008876, OMIM 210900.

Submission:

Labcorp Genetics (formerly Invitae), Labcorp
Classification: Pathogenic for Bloom syndrome. Last evaluated: 2019-12-01. Review status: criteria provided, single submitter. Criteria: Invitae Variant Classification Sherloc (09022015). Collection method: clinical testing. Allele origin: germline.
Comment: For these reasons, this variant has been classified as Pathogenic. Loss-of-function variants in BLM are known to be pathogenic (PMID: 17407155). This variant has not been reported in the literature in individuals with BLM-related conditions. This variant is not present in population databases (ExAC no frequency). This sequence change creates a premature translational stop signal (p.Met816Ilefs*11) in the BLM gene. It is expected to result in an absent or disrupted protein product.

Literature cited by the submitters: PubMed 17407155.

NM_000057.4(BLM):c.2448del (p.Met816fs)

Gene: BLM (BLM RecQ like helicase; plus strand). Cytogenetic location: 15q26.1.
Variant type: Deletion.
Coding change: c.2448del on transcript NM_000057.4 (MANE Select); coding-DNA position 2448, one base deleted (G; older notation c.2448delG).
Protein change: p.Met816fs; shifts the reading frame from methionine 816.
Molecular consequence: frameshift variant.
Genome position (GRCh38, 1-based): chr15:90,769,479, G deleted. VCF-style (leftmost placement, unchanged base first): chr15-90769478-TG-T. GRCh37 (hg19) VCF-style: chr15-91312708-TG-T.
Other names: c.2448del, p.Met816fs (NM_001287246.2, NM_001287247.2); c.1323del, p.Met441fs (NM_001287248.2); short protein forms M441fs, M816fs.
Identifiers: ClinVar variation 854016 (VCV000854016.8), dbSNP rs1896237929, ClinGen allele CA916080563.